The following is an entry in ClinVar:

ClinVar aggregate classification (germline): Likely benign (1 of 4 stars; one submission).

Allele frequency attached by ClinVar (database versions not stated): TOPMed 0.00001.
gnomAD v4.1: 11 of 1,480,596 alleles (0.00074%); highest among the groups gnomAD compares: Non-Finnish European, 0.0009%; no homozygotes.

Submission:

CeGaT Center for Human Genetics Tuebingen
Classification: Likely benign. Last evaluated: 2023-02-01. Review status: criteria provided, single submitter. Criteria: CeGaT Center For Human Genetics Tuebingen Variant Classification Criteria Version 2. Collection method: clinical testing. Allele origin: germline. Affected: yes. Observed: 1 variant allele.
Comment: ALDH4A1: BP4, BP7

NM_003748.4(ALDH4A1):c.12G>T (p.Pro4=)

Genes: ALDH4A1 (aldehyde dehydrogenase 4 family member A1; minus strand), LOC129929550 (ATAC-STARR-seq lymphoblastoid silent region 346; plus strand). Cytogenetic location: 1p36.13.
Variant type: single nucleotide variant.
Coding change: c.12G>T on transcript NM_003748.4 (MANE Select); coding-DNA position 12, G replaced by T.
Protein change: p.Pro4=; no amino-acid change (proline 4 retained).
Molecular consequence: synonymous variant.
Genome position (GRCh38, 1-based): chr1:18,902,512, C>A on the plus strand (G>T on the coding strand, the complement: ALDH4A1 is on the minus strand). VCF-style: chr1-18902512-C-A. GRCh37 (hg19) VCF-style: chr1-19229006-C-A.
Other names: c.12G>T, p.Pro4= (NM_001319218.2, NM_170726.3).
Identifiers: ClinVar variation 2638408 (VCV002638408.24), dbSNP rs758999035, ClinGen allele CA416426773.